The following is an entry in ClinVar:

NM_001352837.2(ST18):c.1695A>G (p.Gln565=)

Gene: ST18 (ST18 C2H2C-type zinc finger transcription factor; minus strand). Cytogenetic location: 8q11.23.
Variant type: single nucleotide variant.
Coding change: c.1695A>G on transcript NM_001352837.2 (MANE Select); coding-DNA position 1695, A replaced by G.
Protein change: p.Gln565=; no amino-acid change (glutamine 565 retained).
Molecular consequence: synonymous variant.
Genome position (GRCh38, 1-based): chr8:52,159,009, T>C on the plus strand (A>G on the coding strand, the complement: ST18 is on the minus strand). VCF-style: chr8-52159009-T-C. GRCh37 (hg19) VCF-style: chr8-53071569-T-C.
Other names: c.1695A>G, p.Gln565= (NM_001352826.2, NM_001352827.2, NM_001352828.2 and 35 more transcripts); c.1608A>G, p.Gln536= (NM_001352858.2, NM_001352859.2, NM_001352860.2); c.1590A>G, p.Gln530= (NM_001352861.2, NM_001352862.2, NM_001352863.2 and 6 more transcripts); c.903A>G, p.Gln301= (NM_001352876.2); c.636A>G, p.Gln212= (NM_001352877.2, NM_001352878.2).
Identifiers: ClinVar variation 3906138 (VCV003906138.10).

ClinVar aggregate classification (germline): Likely benign (1 of 4 stars; one submission).

gnomAD v4.1: 662 of 1,614,134 alleles (0.041%); highest among the groups gnomAD compares: South Asian, 0.64%; 6 homozygotes.

Submission:

CeGaT Center for Human Genetics Tuebingen
Classification: Likely benign. Last evaluated: 2025-06-01. Review status: criteria provided, single submitter. Criteria: CeGaT Center For Human Genetics Tuebingen Variant Classification Criteria Version 2. Collection method: clinical testing. Allele origin: germline. Affected: yes. Observed: 1 variant allele.
Comment: ST18: BP4, BP7